The following is an entry in ClinVar:

ClinVar aggregate classification (germline): Uncertain significance (1 of 4 stars; one submission).

Conditions:
POMC-related disorder. Also called: POMC-related condition; POMC-related disorders.

gnomAD v4.1: 12 of 1,614,070 alleles (0.00074%); highest among the groups gnomAD compares: African/African-American, 0.0013%; no homozygotes.

Submission:

PreventionGenetics, part of Exact Sciences
Classification: Uncertain significance for POMC-related condition. Last evaluated: 2026-06-30. Review status: criteria provided, single submitter. Criteria: ACMG Guidelines, 2015. Collection method: clinical testing. Allele origin: germline.
Comment: The POMC c.31G>A variant is predicted to result in the amino acid substitution p.Ala11Thr. This variant was observed in a cohort of individuals with obesity, and in vitro functional studies showed this variant did not reduce protein function and could cause increased function (Supplemental Data Set 3, Shah et al. 2023. PubMed ID: 36864747). This variant is reported in 0.0062% of alleles in individuals of African descent in gnomAD. At this time, the clinical significance of this variant is uncertain due to the absence of conclusive functional and genetic evidence.

NM_000939.4(POMC):c.31G>A (p.Ala11Thr)

Gene: POMC (proopiomelanocortin; minus strand). Cytogenetic location: 2p23.3.
Variant type: single nucleotide variant.
Coding change: c.31G>A on transcript NM_000939.4 (MANE Select); coding-DNA position 31, G replaced by A.
Protein change: p.Ala11Thr; replaces alanine 11 with threonine.
Molecular consequence: missense variant.
Genome position (GRCh38, 1-based): chr2:25,164,742, C>T on the plus strand (G>A on the coding strand, the complement: POMC is on the minus strand). VCF-style: chr2-25164742-C-T. GRCh37 (hg19) VCF-style: chr2-25387611-C-T.
Other names: c.31G>A, p.Ala11Thr (NM_001035256.3, NM_001319204.2, NM_001319205.2); short protein forms A11T.
Identifiers: ClinVar variation 4978888 (VCV004978888.1).